The following is an entry in ClinVar:

ClinVar aggregate classification (germline): Conflicting classifications of pathogenicity. Review status: criteria provided, conflicting classifications (1 of 4 stars). 5 submissions from 5 submitters: Uncertain significance (4); Likely benign (1). Last evaluated 2025-12-01.

Conditions:
Inborn genetic diseases. Identifiers: MedGen C0950123, MeSH D030342.
Autosomal recessive limb-girdle muscular dystrophy type 2Q (LGMDR17). Also called: MUSCULAR DYSTROPHY, LIMB-GIRDLE, AUTOSOMAL RECESSIVE 17. Identifiers: Orphanet 254361, MedGen C3150989, MONDO:0013390, OMIM 613723.
Epidermolysis bullosa simplex 5B, with muscular dystrophy (EBS5B). Also called: EPIDERMOLYSIS BULLOSA SIMPLEX AND LIMB-GIRDLE MUSCULAR DYSTROPHY; Epidermolysis bullosa simplex with muscular dystrophy. Identifiers: Orphanet 257, MedGen C2931072, MONDO:0009181, OMIM 226670.
Junctional epidermolysis bullosa with pyloric atresia. Also called: EPIDERMOLYSIS BULLOSA, JUNCTIONAL 5B, WITH PYLORIC ATRESIA; CARMI SYNDROME; EB-PA-ACC; Epidermolysis bullosa, junctional, with pyloric atresia and aplasia cutis congenita; Epidermolysis bullosa junctionalis with pyloric atresia; Junctional Epidermolysis Bullosa- Pyloric Atresia Syndrome. Identifiers: Orphanet 79403, MedGen C5676875, MONDO:0009183, OMIM 226730.
Epidermolysis bullosa simplex, Ogna type (EBS5A). Also called: Pidermolysis bullosa simplex 5A, Ogna type; EPIDERMOLYSIS BULLOSA SIMPLEX 5A, OGNA TYPE. Identifiers: Orphanet 79401, MedGen C0432317, MONDO:0007555, OMIM 131950.
Epidermolysis bullosa simplex 5C, with pyloric atresia (EBS5C). Also called: PLEC-Related Epidermolysis Bullosa with Pyloric Atresia; Epidermolysis bullosa simplex with pyloric atresia; PLEC1-Related Epidermolysis Bullosa with Pyloric Atresia. Identifiers: Orphanet 158684, MedGen C2677349, MONDO:0012807, OMIM 612138.
Epidermolysis bullosa simplex with nail dystrophy (EBS5D). Identifiers: MedGen C4225309, MONDO:0014661, OMIM 616487.

Allele frequency attached by ClinVar (database versions not stated): TOPMed 0.00008; gnomAD exomes 0.00013; gnomAD 0.00015 and 0.00016; 1000 Genomes Project 30x 0.00016; 1000 Genomes Project 0.00020.
gnomAD v4.1: 237 of 1,546,246 alleles (0.015%); highest among the groups gnomAD compares: Non-Finnish European, 0.016%; no homozygotes.

Submissions (5):

Labcorp Genetics (formerly Invitae), Labcorp
Classification: Uncertain significance for Autosomal recessive limb-girdle muscular dystrophy type 2Q; Epidermolysis bullosa simplex, Ogna type; Epidermolysis bullosa simplex with nail dystrophy; Epidermolysis bullosa simplex 5C, with pyloric atresia; Epidermolysis bullosa simplex 5B, with muscular dystrophy. Last evaluated: 2025-12-01. Review status: criteria provided, single submitter. Criteria: Invitae Variant Classification Sherloc (09022015). Collection method: clinical testing. Allele origin: germline.
Comment: This sequence change replaces arginine, which is basic and polar, with histidine, which is basic and polar, at codon 2595 of the PLEC protein (p.Arg2595His). This variant is present in population databases (rs552039931, gnomAD 0.08%). This variant has not been reported in the literature in individuals affected with PLEC-related conditions. ClinVar contains an entry for this variant (Variation ID: 1194821). Invitae Evidence Modeling of protein sequence and biophysical properties (such as structural, functional, and spatial information, amino acid conservation, physicochemical variation, residue mobility, and thermodynamic stability) indicates that this missense variant is not expected to disrupt PLEC protein function with a negative predictive value of 80%. In summary, the available evidence is currently insufficient to determine the role of this variant in disease. Therefore, it has been classified as a Variant of Uncertain Significance.

Ambry Genetics
Classification: Uncertain significance for Inborn genetic diseases. Last evaluated: 2025-04-25. Review status: criteria provided, single submitter. Criteria: Ambry Variant Classification Scheme 2023. Collection method: clinical testing. Allele origin: germline.

Revvity Omics, Revvity
Classification: Uncertain significance. Last evaluated: 2024-01-30. Review status: criteria provided, single submitter. Criteria: ACMG Guidelines, 2015. Collection method: clinical testing. Allele origin: germline.

Department of Pathology and Laboratory Medicine, Sinai Health System
Classification: Uncertain significance for Epidermolysis bullosa simplex, Ogna type; Epidermolysis bullosa simplex 5B, with muscular dystrophy; Junctional epidermolysis bullosa with pyloric atresia; Epidermolysis bullosa simplex 5C, with pyloric atresia; Autosomal recessive limb-girdle muscular dystrophy type 2Q; Epidermolysis bullosa simplex with nail dystrophy. Last evaluated: 2022-04-25. Review status: criteria provided, single submitter. Criteria: ACMG Guidelines, 2015. Collection method: research. Allele origin: germline.

GeneDx
Classification: Likely benign. Last evaluated: 2020-01-07. Review status: criteria provided, single submitter. Criteria: GeneDx Variant Classification Process June 2021. Collection method: clinical testing. Allele origin: germline. Affected: yes.

NM_201384.3(PLEC):c.7703G>A (p.Arg2568His)

Gene: PLEC (plectin; minus strand). Cytogenetic location: 8q24.3.
Variant type: single nucleotide variant.
Coding change: c.7703G>A on transcript NM_201384.3 (MANE Select); coding-DNA position 7703, G replaced by A.
Protein change: p.Arg2568His; replaces arginine 2568 with histidine.
Molecular consequence: missense variant.
Genome position (GRCh38, 1-based): chr8:143,922,118, C>T on the plus strand (G>A on the coding strand, the complement: PLEC is on the minus strand). VCF-style: chr8-143922118-C-T. GRCh37 (hg19) VCF-style: chr8-144996286-C-T.
Other names: c.7784G>A, p.Arg2595His (NM_000445.5); c.7661G>A, p.Arg2554His (NM_201378.4); c.7637G>A, p.Arg2546His (NM_201379.3); c.8114G>A, p.Arg2705His (NM_201380.4); c.7607G>A, p.Arg2536His (NM_201381.3); c.7703G>A, p.Arg2568His (NM_201382.4); c.7715G>A, p.Arg2572His (NM_201383.3); short protein forms R2536H, R2546H, R2554H, R2568H, R2572H, R2595H, R2705H.
Identifiers: ClinVar variation 1194821 (VCV001194821.13), dbSNP rs552039931, ClinGen allele CA4925537.